The following is an entry in ClinVar:

ClinVar aggregate classification (germline): Uncertain significance (1 of 4 stars; one submission).

Conditions:
Multiple gastrointestinal atresias. Also called: FAMILIAL INTESTINAL POLYATRESIA SYNDROME; Multiple intestinal atresia. Identifiers: Orphanet 2300, MedGen C0220744, MONDO:0009465.

Submission:

Labcorp Genetics (formerly Invitae), Labcorp
Classification: Uncertain significance for Multiple gastrointestinal atresias. Last evaluated: 2020-07-03. Review status: criteria provided, single submitter. Criteria: Invitae Variant Classification Sherloc (09022015). Collection method: clinical testing. Allele origin: germline.
Comment: This variant results in a copy number gain of the genomic region encompassing exon(s) 15-20 of the TTC7A gene. The 5' boundary is likely confined to intron 14. The 3' end of this event is unknown as it extends beyond the assayed region for this gene and therefore may encompass additional genes. As the precise location of this event is unknown, it may be in tandem or it may be located elsewhere in the genome. This variant has not been reported in the literature in individuals with TTC7A-related conditions. Experimental studies and prediction algorithms are not available or were not evaluated, and the functional significance of this variant is currently unknown. In summary, the available evidence is currently insufficient to determine the role of this variant in disease. Therefore, it has been classified as a Variant of Uncertain Significance.

NC_000002.11:g.(?_47256343)_(47301082_?)dup

Gene: TTC7A (tetratricopeptide repeat domain 7A; plus strand). Cytogenetic location: 2p21.
Variant type: Duplication.
Identifiers: ClinVar variation 1062729 (VCV001062729.1).